The following is an entry in ClinVar:

ClinVar aggregate classification (germline): Benign (1 of 4 stars; one submission).

Conditions:
Leigh syndrome (NULS). Also called: Leigh's necrotizing encephalopathy; Leigh's disease; Leigh's syndrome; LEIGH SYNDROME, NUCLEAR; Leigh Syndrome (mtDNA deletion); Leigh Disease. Identifiers: Orphanet 506, MedGen C2931891, MONDO:0009723, OMIM 256000.

Submission:

Wong Mito Lab, Molecular and Human Genetics, Baylor College of Medicine
Classification: Benign for Leigh syndrome. Last evaluated: 2019-10-17. Review status: criteria provided, single submitter. Criteria: Modified ACMG Guidelines (Unpublished). Collection method: clinical testing. Allele origin: germline.
Comment: The NC_012920.1:m.14059A>G (YP_003024036.1:p.Ile575Val) variant in MTND5 gene is interpretated to be a Benign variant based on the modified ACMG guidelines (unpublished). This variant meets the following evidence codes: BS1, BS2, BP4

NC_012920.1(MT-ND5):m.14059A>G

Gene: MT-ND5 (mitochondrially encoded NADH dehydrogenase 5; plus strand).
Variant type: single nucleotide variant.
Genome position: chrM-14059-A-G.
Identifiers: ClinVar variation 693660 (VCV000693660.1), dbSNP rs878865648, ClinGen allele CA337099911.
Genomic context (GRCh38, chrMT:14,059, plus strand): 5'-CTAACCTGACTAGAAAAGCTATTACCTAAAACAATTTCACAGCACCAAATCTCCACCTCC[A>G]TCATCACCTCAACCCAAAAAGGCATAATTAAACTTTACTTCCTCTCTTTCTTCTTCCCAC-3'